The following is an entry in ClinVar:

NM_000487.6(ARSA):c.257G>A (p.Arg86Gln)

Gene: ARSA (arylsulfatase A; minus strand). Cytogenetic location: 22q13.33.
Variant type: single nucleotide variant.
Coding change: c.257G>A on transcript NM_000487.6 (MANE Select); coding-DNA position 257, G replaced by A.
Protein change: p.Arg86Gln; replaces arginine 86 with glutamine.
Molecular consequence: missense variant. On other transcripts: 5 prime UTR variant (2).
Genome position (GRCh38, 1-based): chr22:50,627,374, C>T on the plus strand (G>A on the coding strand, the complement: ARSA is on the minus strand). VCF-style: chr22-50627374-C-T. GRCh37 (hg19) VCF-style: chr22-51065802-C-T.
Other names: R84Q; c.257G>A, p.Arg86Gln (NM_001085425.3, NM_001085426.3, NM_001085427.3); c.-2G>A (NM_001085428.3, NM_001362782.2); short protein forms R86Q.
Identifiers: ClinVar variation 21186 (VCV000021186.34), dbSNP rs74315458, ClinGen allele CA115965.

ClinVar aggregate classification (germline): Pathogenic. Review status: criteria provided, multiple submitters, no conflicts (2 of 4 stars). 18 submissions from 18 submitters: Pathogenic (11). 7 of the submissions do not count toward it. Last evaluated 2026-01-07.

Conditions:
ARSA-related disorder. Also called: ARSA-related condition.
METACHROMATIC LEUKODYSTROPHY, LATE-ONSET. Identifiers: MedGen C4017093.
Metachromatic leukodystrophy (MLD). Also called: ARSA DEFICIENCY; CEREBROSIDE SULFATASE DEFICIENCY; METACHROMATIC LEUKOENCEPHALOPATHY; SULFATIDE LIPIDOSIS; Arylsulfatase A Deficiency; Cerebral sclerosis diffuse metachromatic form. Identifiers: Orphanet 512, MedGen C0023522, MONDO:0018868, OMIM 250100.

Allele frequency attached by ClinVar (database versions not stated): gnomAD exomes 0.00007; TOPMed 0.00002; gnomAD 0.00004; ExAC 0.00011.

Submissions (18):

Natera, Inc.
Classification: Pathogenic for Metachromatic leukodystrophy. Last evaluated: 2026-01-07. Review status: criteria provided, single submitter. Criteria: Natera Variant Classification Schema (03/2026). Collection method: clinical testing. Allele origin: germline.
Comment: The c.257G>A variant in ARSA is a missense variant predicted to cause substitution of arginine to glutamine at amino acid 86. This variant is rare in the general population with a frequency below the threshold expected for the associated phenotype(s). This variant has been observed in one or more individuals affected with the associated recessive disease, as either homozygous or compound heterozygous with a second variant (PMID: 1353340, 19815439, 18693274). Additionally, this variant has been observed to segregate in affected family members (PMID: 1353340). Functional studies show that this variant may disrupt protein function (PMID: 1353340). Computational prediction algorithms indicate this variant is likely to affect gene or protein function. Given the available evidence, this variant is classified as Pathogenic.

Labcorp Genetics (formerly Invitae), Labcorp
Classification: Pathogenic for Metachromatic leukodystrophy. Last evaluated: 2025-02-15. Review status: criteria provided, single submitter. Criteria: Invitae Variant Classification Sherloc (09022015). Collection method: clinical testing. Allele origin: germline.
Comment: This sequence change replaces arginine, which is basic and polar, with glutamine, which is neutral and polar, at codon 86 of the ARSA protein (p.Arg86Gln). This variant is present in population databases (rs74315458, gnomAD 0.02%). This missense change has been observed in individual(s) with metachromatic leukodystrophy (PMID: 1353340, 12809637, 18693274, 26462614). This variant is also known as c.251G>A, p.Arg84Gln. ClinVar contains an entry for this variant (Variation ID: 21186). Invitae Evidence Modeling of protein sequence and biophysical properties (such as structural, functional, and spatial information, amino acid conservation, physicochemical variation, residue mobility, and thermodynamic stability) indicates that this missense variant is expected to disrupt ARSA protein function with a positive predictive value of 95%. Experimental studies have shown that this missense change affects ARSA function (PMID: 1353340). This variant disrupts the p.86 amino acid residue in ARSA. Other variant(s) that disrupt this residue have been determined to be pathogenic (PMID: 10477432, 18786133, 24001781, 26462614). This suggests that this residue is clinically significant, and that variants that disrupt this residue are likely to be disease-causing. For these reasons, this variant has been classified as Pathogenic.

Revvity Omics, Revvity
Classification: Pathogenic for Metachromatic leukodystrophy. Last evaluated: 2024-12-16. Review status: criteria provided, single submitter. Criteria: ACMG Guidelines, 2015. Collection method: clinical testing. Allele origin: germline.

Blueprint Genetics
Classification: Pathogenic for ARSA-related disorders. Last evaluated: 2024-06-07. Review status: criteria provided, single submitter. Criteria: ACMG Guidelines, 2015. Collection method: clinical testing. Allele origin: germline. Affected: yes. Observed: 5 variant alleles.

3billion
Classification: Pathogenic for Metachromatic leukodystrophy. Last evaluated: 2023-09-18. Review status: criteria provided, single submitter. Criteria: ACMG Guidelines, 2015. Collection method: clinical testing. Allele origin: germline. Affected: yes.
Comment: The variant is observed at an extremely low frequency in the gnomAD v2.1.1 dataset (total allele frequency: 0.008%). Predicted Consequence/Location: Missense variant Functional studies provide supporting evidence of the variant having a damaging effect on the gene or gene product (PMID: 1353340). In silico tool predictions suggest the damaging effect of the variant on gene or gene product [REVEL: 0.88 (>=0.6, sensitivity 0.68 and specificity 0.92); 3Cnet: 0.99 (>=0.6, sensitivity 0.72 and precision 0.9)]. The same nucleotide change resulting in the same amino acid change has been previously reported as pathogenic/likely pathogenic with strong evidence (ClinVar ID: VCV000021186 /PMID: 1353340). Different missense changes at the same codon (p.Arg86Gly, p.Arg86Leu, p.Arg86Trp) have been reported as pathogenic/likely pathogenic with strong evidence (ClinVar ID: VCV000068126 /PMID: 10477432, 24001781, 30834272). Therefore, this variant is classified as Pathogenic according to the recommendation of ACMG/AMP guideline.

Women's Health and Genetics/Laboratory Corporation of America, LabCorp
Classification: Pathogenic for Metachromatic leukodystrophy. Last evaluated: 2023-06-28. Review status: criteria provided, single submitter. Criteria: LabCorp Variant Classification Summary - May 2015. Collection method: clinical testing. Allele origin: germline.
Comment: Variant summary: ARSA c.257G>A (p.Arg86Gln) results in a conservative amino acid change located in the N-terminal domain (IPR000917) of the encoded protein sequence. Four of five in-silico tools predict a damaging effect of the variant on protein function. The variant allele was found at a frequency of 7.1e-05 in 225598 control chromosomes (gnomAD). This frequency is not significantly higher than estimated for a pathogenic variant in ARSA causing Metachromatic Leukodystrophy (7.1e-05 vs 0.0028), allowing no conclusion about variant significance. c.257G>A has been reported in the literature in multiple individuals affected with Metachromatic Leukodystrophy (e.g., Kappler_1992, Beerepoot_2020). These data indicate that the variant is very likely to be associated with disease. At least one publication reports experimental evidence evaluating an impact on protein function, finding that the variant results in <10% of normal ARSA activity in BHK cells (e.g., Kappler_1992). The following publications have been ascertained in the context of this evaluation (PMID: 32632536, 1353340). Four submitters have reported clinical-significance assessments for this variant to ClinVar after 2014. All submitters classified the variant as pathogenic. Based on the evidence outlined above, the variant was classified as pathogenic.

Institute of Human Genetics, University of Leipzig Medical Center
Classification: Pathogenic for Metachromatic leukodystrophy. Last evaluated: 2021-02-10. Review status: criteria provided, single submitter. Criteria: ACMG Guidelines, 2015. Collection method: clinical testing. Allele origin: unknown. Affected: yes.
Comment: This variant was identified as homozygous.

Fulgent Genetics
Classification: Pathogenic for Metachromatic leukodystrophy. Last evaluated: 2018-10-31. Review status: criteria provided, single submitter. Criteria: ACMG Guidelines, 2015. Collection method: clinical testing. Allele origin: unknown.

Eurofins Ntd Llc (ga)
Classification: Pathogenic. Last evaluated: 2014-06-13. Review status: criteria provided, single submitter. Criteria: EGL Classification Definitions 2015. Collection method: clinical testing. Allele origin: germline. Observed: 1 variant allele, 1 heterozygote.

Baylor Genetics
Classification: Pathogenic for Metachromatic leukodystrophy. Review status: criteria provided, single submitter. Criteria: ACMG Guidelines, 2015. Collection method: clinical testing. Allele origin: germline.

Juno Genomics, Hangzhou Juno Genomics, Inc
Classification: Pathogenic for Metachromatic leukodystrophy. Review status: criteria provided, single submitter. Criteria: ACMG Guidelines, 2015. Collection method: clinical testing. Allele origin: germline.
Comment: Absent from controls (or at extremely low frequency if recessive) in Genome Aggregation Database.;For recessive disorders, detected in trans with a pathogenic variant.;Multiple lines of computational evidence support a deleterious effect on the gene or gene product.

OMIM
Classification: Pathogenic for METACHROMATIC LEUKODYSTROPHY, LATE-ONSET. Last evaluated: 1992-03-01. Review status: no assertion criteria provided. Collection method: literature only. Allele origin: germline. Not counted in ClinVar's aggregate classification.

Clinical Genetics DNA and cytogenetics Diagnostics Lab, Erasmus MC, Erasmus Medical Center
Classification: Pathogenic. Review status: no assertion criteria provided. Collection method: clinical testing. Allele origin: germline. Affected: yes. Study: VKGL Data-share Consensus. Not counted in ClinVar's aggregate classification.

Diagnostic Laboratory, Department of Genetics, University Medical Center Groningen
Classification: Pathogenic. Review status: no assertion criteria provided. Collection method: clinical testing. Allele origin: germline. Affected: yes. Study: VKGL Data-share Consensus. Not counted in ClinVar's aggregate classification.

GeneReviews
No classification provided. Condition: Metachromatic leukodystrophy. Review status: no classification provided. Collection method: literature only. Allele origin: germline. Not counted in ClinVar's aggregate classification.

Genome Diagnostics Laboratory, University Medical Center Utrecht
Classification: Pathogenic. Review status: no assertion criteria provided. Collection method: clinical testing. Allele origin: germline. Affected: yes. Study: VKGL Data-share Consensus. Not counted in ClinVar's aggregate classification.

Joint Genome Diagnostic Labs from Nijmegen and Maastricht, Radboudumc and MUMC+
Classification: Likely pathogenic. Review status: no assertion criteria provided. Collection method: clinical testing. Allele origin: germline. Affected: yes. Study: VKGL Data-share Consensus. Not counted in ClinVar's aggregate classification.

Laboratory of Diagnostic Genome Analysis, Leiden University Medical Center (LUMC)
Classification: Pathogenic. Review status: no assertion criteria provided. Collection method: clinical testing. Allele origin: germline. Affected: yes. Study: VKGL Data-share Consensus. Not counted in ClinVar's aggregate classification.

Literature cited by the submitters: PubMed 1353340 (cited by 5 submitters); PubMed 19815439 (cited by Natera, Inc.); PubMed 18693274 (cited by Natera, Inc. and Labcorp Genetics (formerly Invitae), Labcorp); PubMed 12809637 (cited by Labcorp Genetics (formerly Invitae), Labcorp); PubMed 26462614 (cited by Labcorp Genetics (formerly Invitae), Labcorp); PubMed 10477432 (cited by Labcorp Genetics (formerly Invitae), Labcorp and 3billion); PubMed 18786133 (cited by Labcorp Genetics (formerly Invitae), Labcorp); PubMed 24001781 (cited by Labcorp Genetics (formerly Invitae), Labcorp); PubMed 32632536 (cited by Women's Health and Genetics/Laboratory Corporation of America, LabCorp); NCBI Bookshelf NBK1130 (cited by GeneReviews).